The following is an entry in ClinVar:

NM_015650.4(TRAF3IP1):c.1630A>G (p.Ile544Val)

Gene: TRAF3IP1 (TRAF3 interacting protein 1; plus strand). Cytogenetic location: 2q37.3.
Variant type: single nucleotide variant.
Coding change: c.1630A>G on transcript NM_015650.4 (MANE Select); coding-DNA position 1630, A replaced by G.
Protein change: p.Ile544Val; replaces isoleucine 544 with valine.
Molecular consequence: missense variant.
Genome position (GRCh38, 1-based): chr2:238,356,021, A>G. VCF-style: chr2-238356021-A-G. GRCh37 (hg19) VCF-style: chr2-239264662-A-G.
Other names: c.1432A>G, p.Ile478Val (NM_001139490.1); short protein forms I478V, I544V.
Identifiers: ClinVar variation 1923417 (VCV001923417.4), dbSNP rs770505416, ClinGen allele CA2198525.

ClinVar aggregate classification (germline): Uncertain significance (1 of 4 stars; one submission).

Allele frequency attached by ClinVar (database versions not stated): ExAC 0.00001; gnomAD exomes 0.00001; TOPMed 0.00003; gnomAD 0.00004.
gnomAD v4.1: 27 of 1,613,556 alleles (0.0017%); highest among the groups gnomAD compares: Non-Finnish European, 0.0019%; no homozygotes.

Submission:

Labcorp Genetics (formerly Invitae), Labcorp
Classification: Uncertain significance. Last evaluated: 2024-10-29. Review status: criteria provided, single submitter. Criteria: Invitae Variant Classification Sherloc (09022015). Collection method: clinical testing. Allele origin: germline.
Comment: This sequence change replaces isoleucine, which is neutral and non-polar, with valine, which is neutral and non-polar, at codon 544 of the TRAF3IP1 protein (p.Ile544Val). This variant is present in population databases (rs770505416, gnomAD 0.0009%). This variant has not been reported in the literature in individuals affected with TRAF3IP1-related conditions. ClinVar contains an entry for this variant (Variation ID: 1923417). Invitae Evidence Modeling of protein sequence and biophysical properties (such as structural, functional, and spatial information, amino acid conservation, physicochemical variation, residue mobility, and thermodynamic stability) indicates that this missense variant is expected to disrupt TRAF3IP1 protein function with a positive predictive value of 80%. In summary, the available evidence is currently insufficient to determine the role of this variant in disease. Therefore, it has been classified as a Variant of Uncertain Significance.